The following is an entry in ClinVar:

ClinVar aggregate classification (germline): Uncertain significance (1 of 4 stars; one submission).

Conditions:
Perlman syndrome (PRLMNS). Identifiers: Orphanet 2849, MedGen C0796113, MONDO:0009965, OMIM 267000.

Allele frequency attached by ClinVar (database versions not stated): ExAC 0.00011; 1000 Genomes Project 0.00020.

Submission:

Labcorp Genetics (formerly Invitae), Labcorp
Classification: Uncertain significance for Perlman syndrome. Last evaluated: 2025-10-12. Review status: criteria provided, single submitter. Criteria: Invitae Variant Classification Sherloc (09022015). Collection method: clinical testing. Allele origin: germline.
Comment: This sequence change replaces lysine, which is basic and polar, with asparagine, which is neutral and polar, at codon 580 of the DIS3L2 protein (p.Lys580Asn). The frequency data for this variant in the population databases is considered unreliable, as metrics indicate poor data quality at this position in the gnomAD database. This variant has not been reported in the literature in individuals affected with DIS3L2-related conditions. ClinVar contains an entry for this variant (Variation ID: 463073). An algorithm developed to predict the effect of missense changes on protein structure and function (PolyPhen-2) suggests that this variant is likely to be tolerated. Studies have shown that this missense change is associated with inconclusive levels of altered splicing (internal data). In summary, the available evidence is currently insufficient to determine the role of this variant in disease. Therefore, it has been classified as a Variant of Uncertain Significance.

NM_152383.5(DIS3L2):c.1740G>T (p.Lys580Asn)

Gene: DIS3L2 (DIS3 like 3'-5' exoribonuclease 2; plus strand). Cytogenetic location: 2q37.1.
Variant type: single nucleotide variant.
Coding change: c.1740G>T on transcript NM_152383.5 (MANE Select); coding-DNA position 1740, G replaced by T.
Protein change: p.Lys580Asn; replaces lysine 580 with asparagine.
Molecular consequence: missense variant. On other transcripts: intron variant (1).
Genome position (GRCh38, 1-based): chr2:232,329,813, G>T. VCF-style: chr2-232329813-G-T. GRCh37 (hg19) VCF-style: chr2-233194523-G-T.
Other names: c.1582-13532G>T (NM_001257281.2); short protein forms K580N.
Identifiers: ClinVar variation 463073 (VCV000463073.9), dbSNP rs555184370, ClinGen allele CA2164262.